The following is an entry in ClinVar:

GRCh38/hg38 2q13(chr2:110025659-110207160)x1

Genes: MIR4267 (microRNA 4267; minus strand), MIR4436B1 (microRNA 4436b-1; minus strand), MALL (mal, T cell differentiation protein like; minus strand), NPHP1 (nephrocystin 1; minus strand), LOC126806305 (BRD4-independent group 4 enhancer GRCh37_chr2:110863055-110864254; plus strand) and 1 more. Cytogenetic location: 2q13.
Variant type: copy number loss.
Change: copy number 1 (one copy instead of two) of chr2:110,025,659-110,207,160 (181.5 kb, GRCh38 coordinates, 1-based), cytogenetic band 2q13.
Identifiers: ClinVar variation 34538 (VCV000034538.3).

ClinVar aggregate classification (germline): Benign. Review status: no assertion criteria provided (0 of 4 stars). 2 submissions from 1 submitter: Benign (1). 1 of the submissions does not count toward it. Last evaluated 2009-12-30.

Submissions (2):

ISCA site 4
Classification: Benign. Last evaluated: 2009-12-30. Review status: no assertion criteria provided. Collection method: clinical testing. Allele origin: unknown. Affected: yes. Observed: 1 variant allele.

ISCA site 4
Classification: Benign. Last evaluated: 2011-08-12. Review status: flagged submission. Criteria: Kaminsky et al. (Genet Med. 2011). Collection method: clinical testing. Allele origin: unknown. Affected: yes. Observed: 2 variant alleles. Not counted in ClinVar's aggregate classification.
Comment: Copy number variation identified through the course of routine clinical cytogenomic testing in postnatal populations. Clinical assertions have been curated as described in Kaminsky et al. 2011.
ClinVar note: Reason: This record appears to be redundant with a more recent record from the same submitter.
ClinVar note: Notes: SCV000077665 appears to be redundant with SCV000173242.